The following is an entry in ClinVar:

NM_001194.4(HCN2):c.1295G>A (p.Arg432Gln)

Gene: HCN2 (hyperpolarization activated cyclic nucleotide gated potassium and sodium channel 2; plus strand). Cytogenetic location: 19p13.3.
Variant type: single nucleotide variant.
Coding change: c.1295G>A on transcript NM_001194.4 (MANE Select); coding-DNA position 1295, G replaced by A.
Protein change: p.Arg432Gln; replaces arginine 432 with glutamine.
Molecular consequence: missense variant.
Genome position (GRCh38, 1-based): chr19:608,040, G>A. VCF-style: chr19-608040-G-A. GRCh37 (hg19) VCF-style: chr19-608040-G-A.
Other names: short protein forms R432Q.
Identifiers: ClinVar variation 3900122 (VCV003900122.1).

ClinVar aggregate classification (germline): Uncertain significance (1 of 4 stars; one submission).

gnomAD v4.1: 6 of 1,613,022 alleles (0.00037%); highest among the groups gnomAD compares: South Asian, 0.0022%; 1 homozygote.

Submission:

GeneDx
Classification: Uncertain significance. Last evaluated: 2024-11-22. Review status: criteria provided, single submitter. Criteria: GeneDx Variant Classification Process June 2021. Collection method: clinical testing. Allele origin: germline. Affected: yes.
Comment: Not observed at significant frequency in large population cohorts (gnomAD); In silico analysis indicates that this missense variant does not alter protein structure/function; Has not been previously published as pathogenic or benign to our knowledge